The following is an entry in ClinVar:

ClinVar aggregate classification (germline): Uncertain significance (1 of 4 stars; one submission).

Submission:

GeneDx
Classification: Uncertain significance. Last evaluated: 2026-04-15. Review status: criteria provided, single submitter. Criteria: GeneDx Variant Classification Process June 2021. Collection method: clinical testing. Allele origin: germline.
Comment: Not observed at significant frequency in large population cohorts (gnomAD); In silico analysis supports that this missense variant has a deleterious effect on protein structure/function; In silico analysis supports a deleterious effect on splicing; Has not been previously published as pathogenic or benign to our knowledge

NM_006421.5(ARFGEF1):c.2838G>T (p.Arg946Ser)

Gene: ARFGEF1 (ARF guanine nucleotide exchange factor 1; minus strand). Cytogenetic location: 8q13.2.
Variant type: single nucleotide variant.
Coding change: c.2838G>T on transcript NM_006421.5 (MANE Select); coding-DNA position 2838, G replaced by T.
Protein change: p.Arg946Ser; replaces arginine 946 with serine.
Molecular consequence: missense variant. On other transcripts: non-coding transcript variant (1).
Genome position (GRCh38, 1-based): chr8:67,251,311, C>A on the plus strand (G>T on the coding strand, the complement: ARFGEF1 is on the minus strand). VCF-style: chr8-67251311-C-A. GRCh37 (hg19) VCF-style: chr8-68163546-C-A.
Other names: c.2838G>T, p.Arg946Ser (NM_001413184.1, NM_001413185.1, NM_001413186.1 and 6 more transcripts); c.2238G>T, p.Arg746Ser (NM_001413188.1, NM_001413193.1, NM_001413197.1); c.2832G>T, p.Arg944Ser (NM_001413190.1); c.1413G>T, p.Arg471Ser (NM_001413196.1); short protein forms R471S, R746S, R944S, R946S.
Identifiers: ClinVar variation 5037094 (VCV005037094.1).